The following is an entry in ClinVar:

NM_000455.5(STK11):c.704A>C (p.Lys235Thr)

Gene: STK11 (serine/threonine kinase 11; plus strand). Cytogenetic location: 19p13.3.
Variant type: single nucleotide variant.
Coding change: c.704A>C on transcript NM_000455.5 (MANE Select); coding-DNA position 704, A replaced by C.
Protein change: p.Lys235Thr; replaces lysine 235 with threonine.
Molecular consequence: missense variant.
Genome position (GRCh38, 1-based): chr19:1,220,687, A>C. VCF-style: chr19-1220687-A-C. GRCh37 (hg19) VCF-style: chr19-1220686-A-C.
Other names: p.K235T:AAG>ACG; short protein forms K235T.
Identifiers: ClinVar variation 127704 (VCV000127704.14), dbSNP rs587780010, ClinGen allele CA023230.
Genomic context (GRCh38, chr19:1,220,687, plus strand): 5'-GCTCCCCGGCTTTCCAGCCGCCCGAGATTGCCAACGGCCTGGACACCTTCTCCGGCTTCA[A>C]GGTGGACATCTGGTCGGCTGGGGTCACCCTGTAAGTGCCCCGCCCCCCCGGGCACTCACC-3'
Protein context (NP_000446.1, residues 225-245): ANGLDTFSGF[Lys235Thr]VDIWSAGVTL

ClinVar aggregate classification (germline): Uncertain significance. Review status: criteria provided, multiple submitters, no conflicts (2 of 4 stars). 5 submissions from 5 submitters: Uncertain significance (5). Last evaluated 2025-10-01.

Conditions:
Hereditary cancer-predisposing syndrome. Also called: Tumor predisposition; Hereditary Cancer Syndrome; Neoplastic Syndromes, Hereditary; Hereditary neoplastic syndrome. Identifiers: Orphanet 140162, MedGen C0027672, MeSH D009386, MONDO:0015356.
Melanoma, cutaneous malignant, susceptibility to, 1 (CMM1). Also called: B-K MOLE SYNDROME; MELANOMA, MALIGNANT; DYSPLASTIC NEVUS SYNDROME, HEREDITARY; FAMILIAL ATYPICAL MOLE-MALIGNANT MELANOMA SYNDROME. Identifiers: Orphanet 618, MedGen C1835047, MONDO:0007963, OMIM 155600.
Peutz-Jeghers syndrome (PJS). Also called: POLYPOSIS, HAMARTOMATOUS INTESTINAL; POLYPS-AND-SPOTS SYNDROME; Peutz-Jeghers polyposis; Periorificial lentiginosis syndrome. Identifiers: Orphanet 2869, MedGen C0031269, MeSH D010580, MONDO:0008280, OMIM 175200.

Submissions (5):

Labcorp Genetics (formerly Invitae), Labcorp
Classification: Uncertain significance for Peutz-Jeghers syndrome. Last evaluated: 2025-10-01. Review status: criteria provided, single submitter. Criteria: Invitae Variant Classification Sherloc (09022015). Collection method: clinical testing. Allele origin: germline.
Comment: This sequence change replaces lysine, which is basic and polar, with threonine, which is neutral and polar, at codon 235 of the STK11 protein (p.Lys235Thr). This variant is not present in population databases (gnomAD no frequency). This variant has not been reported in the literature in individuals affected with STK11-related conditions. ClinVar contains an entry for this variant (Variation ID: 127704). Invitae Evidence Modeling of protein sequence and biophysical properties (such as structural, functional, and spatial information, amino acid conservation, physicochemical variation, residue mobility, and thermodynamic stability) has been performed for this missense variant. However, the output from this modeling did not meet the statistical confidence thresholds required to predict the impact of this variant on STK11 protein function. In summary, the available evidence is currently insufficient to determine the role of this variant in disease. Therefore, it has been classified as a Variant of Uncertain Significance.

GeneDx
Classification: Uncertain significance. Last evaluated: 2024-11-13. Review status: criteria provided, single submitter. Criteria: GeneDx Variant Classification Process June 2021. Collection method: clinical testing. Allele origin: germline. Affected: yes.
Comment: Not observed at significant frequency in large population cohorts (gnomAD); In silico analysis supports that this missense variant has a deleterious effect on protein structure/function; Has not been previously published as pathogenic or benign to our knowledge

Ambry Genetics
Classification: Uncertain significance for Hereditary cancer-predisposing syndrome. Last evaluated: 2024-02-13. Review status: criteria provided, single submitter. Criteria: Ambry Variant Classification Scheme 2023. Collection method: clinical testing. Allele origin: germline.

Baylor Genetics
Classification: Uncertain significance for Melanoma, cutaneous malignant, susceptibility to, 1. Last evaluated: 2023-10-05. Review status: criteria provided, single submitter. Criteria: ACMG Guidelines, 2015. Collection method: clinical testing. Allele origin: unknown.

Genome-Nilou Lab
Classification: Uncertain significance for Peutz-Jeghers syndrome. Last evaluated: 2021-07-15. Review status: criteria provided, single submitter. Criteria: ACMG Guidelines, 2015. Collection method: clinical testing. Allele origin: germline. Affected: no.